The following is an entry in ClinVar:

NM_004415.4(DSP):c.7836C>T (p.Thr2612=)

Gene: DSP (desmoplakin; plus strand). Cytogenetic location: 6p24.3.
Variant type: single nucleotide variant.
Coding change: c.7836C>T on transcript NM_004415.4 (MANE Select); coding-DNA position 7836, C replaced by T.
Protein change: p.Thr2612=; no amino-acid change (threonine 2612 retained).
Molecular consequence: synonymous variant.
Genome position (GRCh38, 1-based): chr6:7,585,098, C>T. VCF-style: chr6-7585098-C-T. GRCh37 (hg19) VCF-style: chr6-7585331-C-T.
Other names: c.6039C>T, p.Thr2013= (NM_001008844.3); c.6507C>T, p.Thr2169= (NM_001319034.2).
Identifiers: ClinVar variation 920346 (VCV000920346.13), dbSNP rs762381028, ClinGen allele CA448716643.
Genomic context (GRCh38, chr6:7,585,098, plus strand): 5'-GATTTCCACCATATCCAGCGTCAGGAATTTAACCATAAGGAGCAGCTCTTTTTCAGACAC[C>T]CTGGAAGAATCGAGCCCCATTGCAGCCATCTTTGACACAGAAAACCTGGAGAAAATCTCC-3'
Protein context (NP_004406.2, residues 2602-2622): LTIRSSSFSD[Thr2612=]LEESSPIAAI

ClinVar aggregate classification (germline): Likely benign. Review status: criteria provided, multiple submitters, no conflicts (2 of 4 stars). 4 submissions from 4 submitters: Likely benign (4). Last evaluated 2025-09-23.

Conditions:
Cardiovascular phenotype. Identifiers: MedGen CN230736.
Arrhythmogenic cardiomyopathy with wooly hair and keratoderma. Also called: PALMOPLANTAR KERATODERMA WITH LEFT VENTRICULAR CARDIOMYOPATHY AND WOOLLY HAIR; Carvajal syndrome; Dilated cardiomyopathy with woolly hair and keratoderma; Arrhythmogenic cardiomyopathy with woolly hair and keratoderma. Identifiers: Orphanet 65282, MedGen C1854063, MONDO:0011581, OMIM 605676.
Arrhythmogenic right ventricular dysplasia 8 (ARVD8). Also called: Arrhythmogenic Right Ventricular Dysplasia/Cardiomyopathy 8; ARRHYTHMOGENIC RIGHT VENTRICULAR DYSPLASIA, FAMILIAL, 8; ARRHYTHMOGENIC RIGHT VENTRICULAR CARDIOMYOPATHY 8. Identifiers: MedGen C1843896, MONDO:0011831, OMIM 607450.
Cardiomyopathy (CMYO). Also called: Cardiomyopathies. Identifiers: Orphanet 167848, MedGen C0878544, MONDO:0004994, HP:0001638. Inheritance: Various modes of inheritance.

Allele frequency attached by ClinVar (database versions not stated): TOPMed 0.00001; gnomAD 0.00002.

Submissions (4):

Labcorp Genetics (formerly Invitae), Labcorp
Classification: Likely benign for Arrhythmogenic cardiomyopathy with wooly hair and keratoderma; Arrhythmogenic right ventricular dysplasia 8. Last evaluated: 2025-09-23. Review status: criteria provided, single submitter. Criteria: Invitae Variant Classification Sherloc (09022015). Collection method: clinical testing. Allele origin: germline.

All of Us Research Program, National Institutes of Health
Classification: Likely benign for Arrhythmogenic cardiomyopathy with wooly hair and keratoderma. Last evaluated: 2023-11-20. Review status: criteria provided, single submitter. Criteria: ACMG Guidelines, 2015. Collection method: clinical testing. Allele origin: germline. Inheritance: Autosomal dominant inheritance. Observed: 5 variant alleles, 5 heterozygotes.
Comment: This study involves interpretation of variants in research participants for the purpose of population health screening. Participant phenotype was not available at the time of variant classification. Additional details can be found in publication PMID: 35346344, PMCID: PMC8962531

Ambry Genetics
Classification: Likely benign for Cardiovascular phenotype. Last evaluated: 2021-05-14. Review status: criteria provided, single submitter. Criteria: Ambry Variant Classification Scheme 2023. Collection method: clinical testing. Allele origin: germline.

Color Diagnostics, LLC DBA Color Health
Classification: Likely benign for Cardiomyopathy. Last evaluated: 2020-02-09. Review status: criteria provided, single submitter. Criteria: ACMG Guidelines, 2015. Collection method: clinical testing. Allele origin: germline.